The following is an entry in ClinVar:

ClinVar aggregate classification (germline): Benign/Likely benign. Review status: criteria provided, multiple submitters, no conflicts (2 of 4 stars). 2 submissions from 2 submitters: Benign (1); Likely benign (1). Last evaluated 2025-03-26.

Conditions:
Hereditary cancer-predisposing syndrome. Also called: Hereditary Cancer Syndrome; Hereditary neoplastic syndrome; Neoplastic Syndromes, Hereditary; Tumor predisposition. Identifiers: Orphanet 140162, MedGen C0027672, MeSH D009386, MONDO:0015356.
Peutz-Jeghers syndrome (PJS). Also called: Peutz-Jeghers polyposis; Periorificial lentiginosis syndrome; POLYPOSIS, HAMARTOMATOUS INTESTINAL; POLYPS-AND-SPOTS SYNDROME. Identifiers: Orphanet 2869, MedGen C0031269, MeSH D010580, MONDO:0008280, OMIM 175200.

Submissions (2):

Myriad Genetics, Inc.
Classification: Benign for Peutz-Jeghers syndrome. Last evaluated: 2025-03-26. Review status: criteria provided, single submitter. Criteria: Myriad Autosomal Dominant, Autosomal Recessive and X-Linked Classification Criteria (2023). Collection method: clinical testing. Allele origin: unknown.
Comment: This variant is considered benign. This variant is a silent/synonymous amino acid change and it is not expected to impact splicing.

Ambry Genetics
Classification: Likely benign for Hereditary cancer-predisposing syndrome. Last evaluated: 2024-07-13. Review status: criteria provided, single submitter. Criteria: Ambry Variant Classification Scheme 2023. Collection method: clinical testing. Allele origin: germline.

NM_000455.5(STK11):c.483T>C (p.Ile161=)

Gene: STK11 (serine/threonine kinase 11; plus strand). Cytogenetic location: 19p13.3.
Variant type: single nucleotide variant.
Coding change: c.483T>C on transcript NM_000455.5 (MANE Select); coding-DNA position 483, T replaced by C.
Protein change: p.Ile161=; no amino-acid change (isoleucine 161 retained).
Molecular consequence: synonymous variant. On other transcripts: non-coding transcript variant (1).
Genome position (GRCh38, 1-based): chr19:1,220,391, T>C. VCF-style: chr19-1220391-T-C. GRCh37 (hg19) VCF-style: chr19-1220390-T-C.
Other names: c.483T>C, p.Ile161= (NM_001407255.1).
Identifiers: ClinVar variation 3450567 (VCV003450567.2).